The following is an entry in ClinVar:

NM_001365276.2(TNXB):c.12540C>T (p.Ile4180=)

Genes: TNXB (tenascin XB; minus strand), LOC106780803 (tenascin XB recombination region; plus strand). Cytogenetic location: 6p21.33.
Variant type: single nucleotide variant.
Coding change: c.12540C>T on transcript NM_001365276.2 (MANE Select); coding-DNA position 12540, C replaced by T.
Protein change: p.Ile4180=; no amino-acid change (isoleucine 4180 retained).
Molecular consequence: synonymous variant.
Genome position (GRCh38, 1-based): chr6:32,041,864, G>A on the plus strand (C>T on the coding strand, the complement: TNXB is on the minus strand). VCF-style: chr6-32041864-G-A. GRCh37 (hg19) VCF-style: chr6-32009641-G-A.
Other names: p.Ile4178=; c.12534C>T, p.Ile4178= (NM_019105.8); c.1827C>T, p.Ile609= (NM_032470.4).
Identifiers: ClinVar variation 2656439 (VCV002656439.27), dbSNP rs529350337, ClinGen allele CA3732789.

ClinVar aggregate classification (germline): Likely benign. Review status: criteria provided, multiple submitters, no conflicts (2 of 4 stars). 4 submissions from 4 submitters: Likely benign (4). Last evaluated 2026-06-01.

Allele frequency attached by ClinVar (database versions not stated): ExAC 0.00013; 1000 Genomes Project 0.00020; 1000 Genomes Project 30x 0.00062; gnomAD exomes 0.00113.

Submissions (4):

CeGaT Center for Human Genetics Tuebingen
Classification: Likely benign. Last evaluated: 2026-06-01. Review status: criteria provided, single submitter. Criteria: CeGaT Center For Human Genetics Tuebingen Variant Classification Criteria Version 2. Collection method: clinical testing. Allele origin: germline. Affected: yes. Observed: 6 variant alleles.
Comment: TNXB: BP4, BP7

Laboratory of Genetics, Children's Clinical University Hospital Latvia
Classification: Likely benign. Last evaluated: 2025-02-16. Review status: criteria provided, single submitter. Criteria: ACMG Guidelines, 2015. Collection method: clinical testing. Allele origin: germline. Affected: yes.

Mayo Clinic Laboratories, Mayo Clinic
Classification: Likely benign. Last evaluated: 2024-12-04. Review status: criteria provided, single submitter. Criteria: ACMG Guidelines, 2015. Collection method: clinical testing. Allele origin: germline. Observed: 10 variant alleles.
Comment: BP4, BP7

Blueprint Genetics
Classification: Likely benign. Last evaluated: 2024-11-23. Review status: criteria provided, single submitter. Criteria: ACMG Guidelines, 2015. Collection method: clinical testing. Allele origin: germline.